The following is an entry in ClinVar:

ClinVar aggregate classification (germline): Uncertain significance (1 of 4 stars; one submission).

Conditions:
Cystic fibrosis (CF). Also called: MUCOVISCIDOSIS. Identifiers: Orphanet 586, MedGen C0010674, MONDO:0009061, OMIM 219700. Disease mechanism: loss of function.

gnomAD v4.1: 1 of 1,613,402 alleles (0.000062%); highest among the groups gnomAD compares: Non-Finnish European, 0.000085%; no homozygotes.

Submission:

Ambry Genetics
Classification: Uncertain significance for Cystic fibrosis. Last evaluated: 2024-11-03. Review status: criteria provided, single submitter. Criteria: Ambry Variant Classification Scheme 2023. Collection method: clinical testing. Allele origin: germline.
Comment: The p.R1097L variant (also known as c.3290G>T), located in coding exon 20 of the CFTR gene, results from a G to T substitution at nucleotide position 3290. The arginine at codon 1097 is replaced by leucine, an amino acid with dissimilar properties. This amino acid position is conserved. In addition, this alteration is predicted to be deleterious by in silico analysis. Based on the available evidence, the clinical significance of this variant remains unclear.

NM_000492.4(CFTR):c.3290G>T (p.Arg1097Leu)

Genes: CFTR (CF transmembrane conductance regulator; plus strand), CFTR-AS2 (CFTR antisense RNA 2; minus strand), LOC111674472 (DNase I hypersensitive sites in introns 16 and 17a of CFTR; plus strand). Cytogenetic location: 7q31.2.
Variant type: single nucleotide variant.
Coding change: c.3290G>T on transcript NM_000492.4 (MANE Select); coding-DNA position 3290, G replaced by T.
Protein change: p.Arg1097Leu; replaces arginine 1097 with leucine.
Molecular consequence: missense variant.
Genome position (GRCh38, 1-based): chr7:117,611,731, G>T. VCF-style: chr7-117611731-G-T. GRCh37 (hg19) VCF-style: chr7-117251785-G-T.
Other names: short protein forms R1097L.
Identifiers: ClinVar variation 3491596 (VCV003491596.1).